The following is an entry in ClinVar:

NM_005334.3(HCFC1):c.4498-10C>T

Gene: HCFC1 (host cell factor C1; minus strand). Cytogenetic location: Xq28.
Variant type: single nucleotide variant.
Coding change: c.4498-10C>T on transcript NM_005334.3 (MANE Select); 10 bases into the intron before coding-DNA position 4498, C replaced by T.
Molecular consequence: intron variant. On other transcripts: synonymous variant (1).
Genome position (GRCh38, 1-based): chrX:153,952,968, G>A on the plus strand (C>T on the coding strand, the complement: HCFC1 is on the minus strand). VCF-style: chrX-153952968-G-A. GRCh37 (hg19) VCF-style: chrX-153218419-G-A.
Other names: c.4620C>T, p.Asp1540= (NM_001410705.1).
Identifiers: ClinVar variation 3381403 (VCV003381403.1).

ClinVar aggregate classification (germline): Uncertain significance (1 of 4 stars; one submission).

Submission:

GeneDx
Classification: Uncertain significance. Last evaluated: 2024-05-21. Review status: criteria provided, single submitter. Criteria: GeneDx Variant Classification Process June 2021. Collection method: clinical testing. Allele origin: germline. Affected: yes.
Comment: Not observed at significant frequency in large population cohorts (gnomAD); In silico analysis indicates that this variant does not alter splicing; Has not been previously published as pathogenic or benign to our knowledge; This variant is associated with the following publications: (PMID: 27535533)